The following is an entry in ClinVar:

NM_199355.4(ADAMTS18):c.113G>A (p.Cys38Tyr)

Gene: ADAMTS18 (ADAM metallopeptidase with thrombospondin type 1 motif 18; minus strand). Cytogenetic location: 16q23.1.
Variant type: single nucleotide variant.
Coding change: c.113G>A on transcript NM_199355.4 (MANE Select); coding-DNA position 113, G replaced by A.
Protein change: p.Cys38Tyr; replaces cysteine 38 with tyrosine.
Molecular consequence: missense variant. On other transcripts: 5 prime UTR variant (1).
Genome position (GRCh38, 1-based): chr16:77,434,483, C>T on the plus strand (G>A on the coding strand, the complement: ADAMTS18 is on the minus strand). VCF-style: chr16-77434483-C-T. GRCh37 (hg19) VCF-style: chr16-77468380-C-T.
Other names: c.-408G>A (NM_001326358.2); short protein forms C38Y.
Identifiers: ClinVar variation 1045363 (VCV001045363.10), dbSNP rs540472609, ClinGen allele CA8181787.
Genomic context (GRCh38, chr16:77,434,483, plus strand): 5'-TTTAATCCGCTGGCGCCGCTGCTGCTGTCACTGGCTAAGGCCGCGGCGACCGACGCACAG[C>T]AGAGGCAGCACAGCTGGAGCGCCTGCAAGAGAAAAGGTGACATCGCGCGTGAGGGGCGCG-3'
Protein context (NP_955387.1, residues 28-48): VAKALQLCCL[Cys38Tyr]CASVAAALAS

ClinVar aggregate classification (germline): Uncertain significance. Review status: criteria provided, multiple submitters, no conflicts (2 of 4 stars). 2 submissions from 2 submitters: Uncertain significance (2). Last evaluated 2024-11-15.

Allele frequency attached by ClinVar (database versions not stated): gnomAD 0.00002 and 0.00003; TOPMed 0.00007; 1000 Genomes Project 30x 0.00016; 1000 Genomes Project 0.00020.
gnomAD v4.1: 14 of 1,567,830 alleles (0.00089%); highest among the groups gnomAD compares: East Asian, 0.03%; no homozygotes.

Submissions (2):

Blueprint Genetics
Classification: Uncertain significance. Last evaluated: 2024-11-15. Review status: criteria provided, single submitter. Criteria: ACMG Guidelines, 2015. Collection method: clinical testing. Allele origin: germline.

Labcorp Genetics (formerly Invitae), Labcorp
Classification: Uncertain significance. Last evaluated: 2022-11-28. Review status: criteria provided, single submitter. Criteria: Invitae Variant Classification Sherloc (09022015). Collection method: clinical testing. Allele origin: germline.
Comment: This sequence change replaces cysteine, which is neutral and slightly polar, with tyrosine, which is neutral and polar, at codon 38 of the ADAMTS18 protein (p.Cys38Tyr). In summary, the available evidence is currently insufficient to determine the role of this variant in disease. Therefore, it has been classified as a Variant of Uncertain Significance. Algorithms developed to predict the effect of missense changes on protein structure and function are either unavailable or do not agree on the potential impact of this missense change (SIFT: "Not Available"; PolyPhen-2: "Benign"; Align-GVGD: "Not Available"). ClinVar contains an entry for this variant (Variation ID: 1045363). This missense change has been observed in individual(s) with retinitis pigmentosa (PMID: 28512305). This variant is present in population databases (rs540472609, gnomAD 0.04%).

Literature cited by the submitters: PubMed 28512305 (cited by Labcorp Genetics (formerly Invitae), Labcorp).